The following is an entry in ClinVar:

NM_001077620.3(PRCD):c.74+1G>A

Genes: CYGB (cytoglobin; minus strand), PRCD (photoreceptor disc component; plus strand). Cytogenetic location: 17q25.1.
Variant type: single nucleotide variant.
Coding change: c.74+1G>A on transcript NM_001077620.3 (MANE Select); the canonical splice donor site of the intron after coding-DNA position 74, G replaced by A.
Molecular consequence: splice donor variant.
Genome position (GRCh38, 1-based): chr17:76,540,216, G>A. VCF-style: chr17-76540216-G-A. GRCh37 (hg19) VCF-style: chr17-74536298-G-A.
Identifiers: ClinVar variation 1343514 (VCV001343514.8), dbSNP rs779066277, ClinGen allele CA8787818.

ClinVar aggregate classification (germline): Pathogenic/Likely pathogenic. Review status: criteria provided, multiple submitters, no conflicts (2 of 4 stars). 5 submissions from 5 submitters: Pathogenic (3); Likely pathogenic (2). Last evaluated 2026-01-08.

Conditions:
Retinal dystrophy. Also called: Inherited retinal dystrophy. Identifiers: Orphanet 71862, MedGen C0854723, MeSH D058499, MONDO:0019118, HP:0000556.
Retinitis pigmentosa (RP). Identifiers: Orphanet 791, MedGen C0035334, MeSH D012174, MONDO:0019200, OMIM 268000. Inheritance: Autosomal dominant, autosomal recessive and X linked inheritance.
Retinitis pigmentosa 36 (RP36). Identifiers: Orphanet 791, MedGen C1864621, MONDO:0012523, OMIM 610599.

Allele frequency attached by ClinVar (database versions not stated): TOPMed below 0.00001; gnomAD 0.00001; ExAC 0.00003.
gnomAD v4.1: 13 of 1,509,794 alleles (0.00086%); highest among the groups gnomAD compares: East Asian, 0.0026%; no homozygotes.

Submissions (5):

First Genomix Gene Laboratory, Genetic Diagnostics Department
Classification: Pathogenic for Retinitis pigmentosa 36. Last evaluated: 2026-01-08. Review status: criteria provided, single submitter. Criteria: ACMG Guidelines, 2015. Collection method: clinical testing. Allele origin: germline. Inheritance: Autosomal recessive inheritance. Affected: no. Observed: 1 variant allele.

Dept Of Ophthalmology, Nagoya University
Classification: Pathogenic for Retinal dystrophy. Last evaluated: 2023-10-01. Review status: criteria provided, single submitter. Criteria: Submitter's publication. Collection method: research. Allele origin: germline. Affected: yes.

Labcorp Genetics (formerly Invitae), Labcorp
Classification: Likely pathogenic. Last evaluated: 2023-03-22. Review status: criteria provided, single submitter. Criteria: Invitae Variant Classification Sherloc (09022015). Collection method: clinical testing. Allele origin: germline.
Comment: In summary, the currently available evidence indicates that the variant is pathogenic, but additional data are needed to prove that conclusively. Therefore, this variant has been classified as Likely Pathogenic. This sequence change affects a donor splice site in intron 1 of the PRCD gene. It is expected to disrupt RNA splicing. Variants that disrupt the donor or acceptor splice site typically lead to a loss of protein function (PMID: 16199547), and loss-of-function variants in PRCD are known to be pathogenic (PMID: 16938425, 20507925, 23805042, 28181551). The frequency data for this variant in the population databases is considered unreliable, as metrics indicate poor data quality at this position in the gnomAD database. Disruption of this splice site has been observed in individual(s) with retinitis pigmentosa (PMID: 26806561). ClinVar contains an entry for this variant (Variation ID: 1343514). Algorithms developed to predict the effect of sequence changes on RNA splicing suggest that this variant may disrupt the consensus splice site.

Women's Health and Genetics/Laboratory Corporation of America, LabCorp
Classification: Likely pathogenic for Retinitis pigmentosa. Last evaluated: 2022-02-25. Review status: criteria provided, single submitter. Criteria: LabCorp Variant Classification Summary - May 2015. Collection method: clinical testing. Allele origin: germline.
Comment: Variant summary: PRCD c.74+1G>A alters a conserved nucleotide located in a canonical splice-site and is predicted to affect mRNA splicing resulting in a significantly altered protein due to either exon skipping, shortening, or inclusion of intronic material. Several computational tools predict a significant impact on normal splicing: Three predict the variant abolishes the canonical 5' splicing donor site. However, these predictions have yet to be confirmed by functional studies. The variant allele was found at a frequency of 1.4e-05 in 219476 control chromosomes. c.74+1G>A has been reported in the literature as a homozygous genotype in at-least one individual affected with Retinitis Pigmentosa (example, Perez-Carro_2016). These data indicate that the variant may be associated with disease. To our knowledge, no experimental evidence demonstrating an impact on protein function has been reported. No clinical diagnostic laboratories have submitted clinical-significance assessments for this variant to ClinVar after 2014. Based on the evidence outlined above, the variant was classified as likely pathogenic.

GeneDx
Classification: Pathogenic. Last evaluated: 2019-11-08. Review status: criteria provided, single submitter. Criteria: GeneDx Variant Classification Process June 2021. Collection method: clinical testing. Allele origin: germline. Affected: yes.
Comment: Canonical splice site variant in a gene for which loss-of-function is a known mechanism of disease; This variant is associated with the following publications: (PMID: 26806561)

Literature cited by the submitters: PubMed 16199547 (cited by Labcorp Genetics (formerly Invitae), Labcorp); PubMed 16938425 (cited by Labcorp Genetics (formerly Invitae), Labcorp); PubMed 20507925 (cited by Labcorp Genetics (formerly Invitae), Labcorp); PubMed 23805042 (cited by Labcorp Genetics (formerly Invitae), Labcorp); PubMed 28181551 (cited by Labcorp Genetics (formerly Invitae), Labcorp); PubMed 26806561 (cited by Labcorp Genetics (formerly Invitae), Labcorp and Women's Health and Genetics/Laboratory Corporation of America, LabCorp).